The following is an entry in ClinVar:

ClinVar aggregate classification (germline): Conflicting classifications of pathogenicity. Review status: criteria provided, conflicting classifications (1 of 4 stars). 2 submissions from 2 submitters: Likely pathogenic (1); Uncertain significance (1). Last evaluated 2025-12-31.

Conditions:
Atypical hemolytic-uremic syndrome. Identifiers: Orphanet 2134, MedGen C2931788, MONDO:0016244.

Submissions (2):

Labcorp Genetics (formerly Invitae), Labcorp
Classification: Likely pathogenic. Last evaluated: 2025-12-31. Review status: criteria provided, single submitter. Criteria: Invitae Variant Classification Sherloc (09022015). Collection method: clinical testing. Allele origin: germline.
Comment: This sequence change replaces threonine, which is neutral and polar, with arginine, which is basic and polar, at codon 162 of the C3 protein (p.Thr162Arg). This variant is not present in population databases (gnomAD no frequency). This missense change has been observed in individual(s) with autosomal dominant atypical hemolytic uremic syndrome (PMID: 20595690, 25608561, 25899302, 27064621, 29888403, 34169201, 37369098; internal data). It has also been observed to segregate with disease in related individuals. This variant is also known as T140R. ClinVar contains an entry for this variant (Variation ID: 2138195). Invitae Evidence Modeling of protein sequence and biophysical properties (such as structural, functional, and spatial information, amino acid conservation, physicochemical variation, residue mobility, and thermodynamic stability) has been performed for this missense variant. However, the output from this modeling did not meet the statistical confidence thresholds required to predict the impact of this variant on C3 protein function. Experimental studies have shown that this missense change affects C3 function (PMID: 25608561). In summary, the currently available evidence indicates that the variant is pathogenic, but additional data are needed to prove that conclusively. Therefore, this variant has been classified as Likely Pathogenic.

Genomenon, Inc
Classification: Uncertain significance for Atypical hemolytic-uremic syndrome. Last evaluated: 2025-09-30. Review status: criteria provided, single submitter. Criteria: Genomenon Sequence Variant Interpretation Standards. Collection method: curation. Allele origin: germline. Affected: yes.
Comment: C3 p.Thr162Arg (c.485C>G) is a missense variant that changes the amino acid at residue 162 from Threonine to Arginine. This variant has been observed in at least one proband affected with atypical hemolytic-uremic syndrome (PMID:25899302;20595690;27064621). Functional studies have been reported; however, the significance of the findings remain unclear (PMID:25608561). It is absent or not present at a significant frequency in gnomAD. In conclusion, we classify C3 p.Thr162Arg (c.485C>G) as a variant of unknown significance.

Literature cited by the submitters: PubMed 20595690 (cited by Labcorp Genetics (formerly Invitae), Labcorp and Genomenon, Inc); PubMed 25608561 (cited by Labcorp Genetics (formerly Invitae), Labcorp and Genomenon, Inc); PubMed 25899302 (cited by Labcorp Genetics (formerly Invitae), Labcorp and Genomenon, Inc); PubMed 27064621 (cited by Labcorp Genetics (formerly Invitae), Labcorp and Genomenon, Inc); PubMed 29888403 (cited by Labcorp Genetics (formerly Invitae), Labcorp); PubMed 34169201 (cited by Labcorp Genetics (formerly Invitae), Labcorp); PubMed 37369098 (cited by Labcorp Genetics (formerly Invitae), Labcorp).

NM_000064.4(C3):c.485C>G (p.Thr162Arg)

Gene: C3 (complement C3; minus strand). Cytogenetic location: 19p13.3.
Variant type: single nucleotide variant.
Coding change: c.485C>G on transcript NM_000064.4 (MANE Select); coding-DNA position 485, C replaced by G.
Protein change: p.Thr162Arg; replaces threonine 162 with arginine.
Molecular consequence: missense variant.
Genome position (GRCh38, 1-based): chr19:6,718,113, G>C on the plus strand (C>G on the coding strand, the complement: C3 is on the minus strand). VCF-style: chr19-6718113-G-C. GRCh37 (hg19) VCF-style: chr19-6718124-G-C.
Other names: short protein forms T162R.
Identifiers: ClinVar variation 2138195 (VCV002138195.5), dbSNP rs2512270762, ClinGen allele CA403644901.